The following is an entry in ClinVar:

NM_000303.3(PMM2):c.255+2T>C

Gene: PMM2 (phosphomannomutase 2; plus strand). Cytogenetic location: 16p13.2.
Variant type: single nucleotide variant.
Coding change: c.255+2T>C on transcript NM_000303.3 (MANE Select); the canonical splice donor site of the intron after coding-DNA position 255, T replaced by C.
Molecular consequence: splice donor variant.
Genome position (GRCh38, 1-based): chr16:8,804,845, T>C. VCF-style: chr16-8804845-T-C. GRCh37 (hg19) VCF-style: chr16-8898702-T-C.
Identifiers: ClinVar variation 321216 (VCV000321216.47), dbSNP rs139716296, ClinGen allele CA7893967.

ClinVar aggregate classification (germline): Pathogenic/Likely pathogenic. Review status: criteria provided, multiple submitters, no conflicts (2 of 4 stars). 19 submissions from 19 submitters: Pathogenic (16); Likely pathogenic (1). 2 of the submissions do not count toward it. Last evaluated 2026-03-12.

Conditions:
Intellectual disability. Also called: intellectual disabilities; Intellectual developmental disorder; Intellectual functioning disability. Identifiers: MedGen C3714756, MeSH D008607, MONDO:0001071, HP:0001249.
PMM2-related disorder. Also called: PMM2-related condition.
PMM2-congenital disorder of glycosylation. Also called: PHOSPHOMANNOMUTASE 2 DEFICIENCY; CARBOHYDRATE-DEFICIENT GLYCOPROTEIN SYNDROME, TYPE Ia; PMM2-CDG; JAEKEN SYNDROME; Congenital disorder of glycosylation, type Ia; CDG Ia. Identifiers: Orphanet 79318, MedGen C0349653, MONDO:0008907, OMIM 212065.
Inborn genetic diseases. Identifiers: MedGen C0950123, MeSH D030342.

Allele frequency attached by ClinVar (database versions not stated): gnomAD 0.00007; gnomAD exomes 0.00007; ExAC 0.00008; TOPMed 0.00009; ESP Exome Variant Server 0.00015.
gnomAD v4.1: 145 of 1,591,626 alleles (0.0091%); highest among the groups gnomAD compares: Non-Finnish European, 0.011%; no homozygotes.

Submissions 1 to 11 of 19:

Dasa
Classification: Pathogenic. Last evaluated: 2026-03-12. Review status: criteria provided, single submitter. Criteria: DASA Assertion Criteria. Collection method: clinical testing. Allele origin: germline.
Comment: NM_000303.3(PMM2):c.255+2T>C affects a canonical splice site and is predicted to disrupt normal RNA splicing, leading to loss of normal protein function. Loss-of-function is an established mechanism of disease for this gene. Functional evidence supports a deleterious effect on the gene or gene product (PMID: 11156536; PMID: 15844218). This variant has been recurrently observed in individuals with related phenotype (PMID: 11156536; PMID: 15844218). The variant is present at low frequency in population datasets. Based on the available data, this variant is classified as pathogenic.

Labcorp Genetics (formerly Invitae), Labcorp
Classification: Pathogenic for PMM2-congenital disorder of glycosylation. Last evaluated: 2026-01-19. Review status: criteria provided, single submitter. Criteria: Invitae Variant Classification Sherloc (09022015). Collection method: clinical testing. Allele origin: germline.
Comment: This sequence change affects a donor splice site in intron 3 of the PMM2 gene. It is expected to disrupt RNA splicing. Variants that disrupt the donor or acceptor splice site typically lead to a loss of protein function (PMID: 16199547), and loss-of-function variants in PMM2 are known to be pathogenic (PMID: 19862844). This variant is present in population databases (rs139716296, gnomAD 0.01%). Disruption of this splice site has been observed in individuals with PMM2-related congenital disorder of glycosylation (PMM2-CDG) (PMID: 11156536, 15844218, 18948042, 23806237). This variant is also known as IVS3+2C>T. ClinVar contains an entry for this variant (Variation ID: 321216). Algorithms developed to predict the effect of sequence changes on RNA splicing suggest that this variant may disrupt the consensus splice site. For these reasons, this variant has been classified as Pathogenic.

Natera, Inc.
Classification: Pathogenic for Congenital disorder of glycosylation type 1a. Last evaluated: 2025-12-08. Review status: criteria provided, single submitter. Criteria: Natera Variant Classification Schema (03/2026). Collection method: clinical testing. Allele origin: germline.
Comment: The c.255+2T>C variant in PMM2 is a canonical splice donor site variant predicted to affect pre-mRNA splicing, which may result in an abnormal transcript and altered protein product. This variant is expected to result in nonsense mediated decay, truncation, or a dysfunctional protein product. This variant is rare in the general population with a frequency below the threshold expected for the associated phenotype(s). This variant has been observed in one or more individuals affected with the associated recessive disease, as either homozygous or compound heterozygous with a second variant (PMID: 23806237). Given the available evidence, this variant is classified as Pathogenic.

Otogenetics
Classification: Pathogenic for PMM2-congenital disorder of glycosylation. Last evaluated: 2025-10-13. Review status: criteria provided, single submitter. Criteria: ACMG Guidelines, 2015. Collection method: clinical testing. Allele origin: germline.
Comment: PVS1_Strong: Splice site variant disrupts reading frame in gene with loss of function as mechanism of disease, predicted to undergo NMD; PM2: Maximum gnomAD MAF of 0.0141% in American (AMR) subpopulation (<0.217% threshold); PM3_VeryStrong: Variant reported in trans with over five other pathogenic variants in five patients affected with congenital disorder of glycosylation type 1A (PMID: 11156536, 15844218); PP3: In-silico models predict deleterious affect (MutationTaster = 1, SpliceAI = 0.96)

PreventionGenetics, part of Exact Sciences
Classification: Pathogenic for PMM2-related condition. Last evaluated: 2025-03-03. Review status: criteria provided, single submitter. Criteria: ACMG Guidelines, 2015. Collection method: clinical testing. Allele origin: germline.
Comment: The PMM2 c.255+2T>C variant is predicted to disrupt the GT donor site and interfere with normal splicing. This variant has been reported to be causative for autosomal recessive congenital disorder of glycosylation 1a (reported as int 3 (+2) T>C in Matthijs et al. 1999. PubMed ID: 10527672). This variant is reported in 0.014% of alleles in individuals of Latino descent in gnomAD. Variants that disrupt the consensus splice donor site in PMM2 are expected to be pathogenic. This variant is interpreted as pathogenic.

Clinical Genomics Laboratory, Washington University in St. Louis
Classification: Pathogenic for PMM2-congenital disorder of glycosylation. Last evaluated: 2025-02-11. Review status: criteria provided, single submitter. Criteria: ACMG Guidelines, 2015. Collection method: clinical testing. Allele origin: germline. Affected: yes.
Comment: The PMM2 c.255+2T>C variant, also reported as IVS3+2T>C, has been observed in the compound heterozygous state with a pathogenic or likely pathogenic variant in at least eight affected individuals with congenital disorder of glycosylation, type Ia (Grunewald S et al., PMID: 11156536; Jones MA et al., PMID: 23806237; Le Bizec C et al., PMID: 15844218; Monin ML et al., PMID: 25497157; Perez-Duenas B et al., PMID: 18948042). This variant occurs within the canonical splice donor site, which is predicted to cause skipping of the exon, leading to an out of frame transcript. The highest population minor allele frequency in the population database genome aggregation database (v.2.1.1) is 0.01% in the European non-Finnish population. Based on available information and the ACMG/AMP guidelines for variant interpretation (Richards S et al., PMID: 25741868), this variant is classified as pathogenic.

Genetic Services Laboratory, University of Chicago
Classification: Likely pathogenic. Last evaluated: 2023-11-21. Review status: criteria provided, single submitter. Criteria: ACMG Guidelines, 2015. Collection method: clinical testing. Allele origin: germline. Affected: yes.
Comment: DNA sequence analysis of the PMM2 gene demonstrated a sequence change located in the canonical splice donor site in intron 3, c.255+2T>C. This sequence change has been previously described in the compound heterozygous state in multiple unrelated individuals with PMM2-related congenital disorder of glycosylation [PMID: 11156536, 15844218, 18948042, 23806237]. This sequence change has been described in the gnomAD database with a frequency of 0.014% in the Latino subpopulation (dbSNP rs139716296). Based on in-silico splice prediction programs, this sequence change likely affects normal splicing of the PMM2 gene, which would result in an abnormal protein, however functional studies have not been performed to prove this conclusively. These collective evidences indicate that this sequence change is likely pathogenic.

Blueprint Genetics
Classification: Pathogenic for PMM2-related disorders. Last evaluated: 2023-10-25. Review status: criteria provided, single submitter. Criteria: ACMG Guidelines, 2015. Collection method: clinical testing. Allele origin: germline. Affected: yes. Observed: 5 variant alleles.

GeneDx
Classification: Pathogenic. Last evaluated: 2021-12-06. Review status: criteria provided, single submitter. Criteria: GeneDx Variant Classification Process June 2021. Collection method: clinical testing. Allele origin: germline. Affected: yes.
Comment: Identified in other patients with congenital disorders of glycosylation in published literature (Jones et al., 2013; Matthijs et al., 1999); Canonical splice site variant predicted to result in a null allele in a gene for which loss-of-function is a known mechanism of disease; Not observed at a significant frequency in large population cohorts (Lek et al., 2016); This variant is associated with the following publications: (PMID: 25497157, 25525159, 23430838, 28139241, 23806237, 31980526, 31589614, 34277356, 18948042, 12705494, 11156536, 15844218, 10527672)

Myriad Genetics, Inc.
Classification: Pathogenic for PMM2-congenital disorder of glycosylation. Last evaluated: 2021-10-01. Review status: criteria provided, single submitter. Criteria: Myriad Women's Health Autosomal Recessive and X-Linked Classification Criteria (2021). Collection method: clinical testing. Allele origin: unknown.
Comment: NM_000303.2(PMM2):c.255+2T>C is a canonical splice variant classified as pathogenic in the context of congenital disorder of glycosylation type Ia. c.255+2T>C has been observed in cases with relevant disease (PMID: 12705494, 15844218). Functional assessments of this variant are not available in the literature. c.255+2T>C has been observed in population frequency databases (gnomAD: AMR 0.01%). In summary, NM_000303.2(PMM2):c.255+2T>C is a canonical splice variant in a gene where loss of function is a known mechanism of disease, is predicted to disrupt protein function, and has been observed more frequently in cases with the relevant disease than in healthy populations. Please note: this variant was assessed in the context of healthy population screening.

Revvity Omics, Revvity
Classification: Pathogenic for PMM2-congenital disorder of glycosylation. Last evaluated: 2021-06-21. Review status: criteria provided, single submitter. Criteria: ACMG Guidelines, 2015. Collection method: clinical testing. Allele origin: germline.